The following is an entry in ClinVar:

ClinVar aggregate classification (germline): Uncertain significance. Review status: criteria provided, multiple submitters, no conflicts (2 of 4 stars). 4 submissions from 4 submitters: Uncertain significance (4). Last evaluated 2025-05-18.

Conditions:
Lynch syndrome. Identifiers: Orphanet 144, MedGen C4552100, MONDO:0005835. Disease mechanism: loss of function.
Hereditary cancer-predisposing syndrome. Also called: Hereditary Cancer Syndrome; Neoplastic Syndromes, Hereditary; Hereditary neoplastic syndrome; Tumor predisposition. Identifiers: Orphanet 140162, MedGen C0027672, MeSH D009386, MONDO:0015356.
Hereditary nonpolyposis colorectal neoplasms. Identifiers: MedGen C0009405, MeSH D003123.
Endometrial carcinoma. Also called: Endometrial carcinoma, somatic. Identifiers: MedGen C0476089, MONDO:0002447, OMIM 608089, HP:0012114.

Allele frequency attached by ClinVar (database versions not stated): gnomAD exomes below 0.00001.
gnomAD v4.1: 1 of 1,614,118 alleles (0.000062%); highest among the groups gnomAD compares: Non-Finnish European, 0.000085%; no homozygotes.

Submissions (4):

Labcorp Genetics (formerly Invitae), Labcorp
Classification: Uncertain significance for Hereditary nonpolyposis colorectal neoplasms. Last evaluated: 2025-05-18. Review status: criteria provided, single submitter. Criteria: Invitae Variant Classification Sherloc (09022015). Collection method: clinical testing. Allele origin: germline.
Comment: This sequence change replaces threonine, which is neutral and polar, with alanine, which is neutral and non-polar, at codon 1284 of the MSH6 protein (p.Thr1284Ala). This variant is not present in population databases (gnomAD no frequency). This missense change has been observed in individual(s) with Lynch syndrome (PMID: 28135145). ClinVar contains an entry for this variant (Variation ID: 428360). Invitae Evidence Modeling of protein sequence and biophysical properties (such as structural, functional, and spatial information, amino acid conservation, physicochemical variation, residue mobility, and thermodynamic stability) has been performed for this missense variant. However, the output from this modeling did not meet the statistical confidence thresholds required to predict the impact of this variant on MSH6 protein function. In summary, the available evidence is currently insufficient to determine the role of this variant in disease. Therefore, it has been classified as a Variant of Uncertain Significance.

Baylor Genetics
Classification: Uncertain significance for Endometrial carcinoma. Last evaluated: 2023-09-04. Review status: criteria provided, single submitter. Criteria: ACMG Guidelines, 2015. Collection method: clinical testing. Allele origin: unknown.

All of Us Research Program, National Institutes of Health
Classification: Uncertain significance for Lynch syndrome. Last evaluated: 2023-03-23. Review status: criteria provided, single submitter. Criteria: ACMG Guidelines, 2015. Collection method: clinical testing. Allele origin: germline. Inheritance: Autosomal dominant inheritance. Observed: 1 variant allele, 1 heterozygote.
Comment: This missense variant replaces threonine with alanine at codon 1284 of the MSH6 protein. Computational prediction suggests that this variant may have deleterious impact on protein structure and function (internally defined REVEL score threshold >= 0.7, PMID: 27666373). To our knowledge, functional studies have not been reported for this variant. This variant has been reported in an individual affected with colorectal cancer (PMID: 28135145), however, this individual also carried a pathogenic variant in the MLH1 gene that could explain the observed phenotype. This variant has not been identified in the general population by the Genome Aggregation Database (gnomAD). The available evidence is insufficient to determine the role of this variant in disease conclusively. Therefore, this variant is classified as a Variant of Uncertain Significance.

This study involves interpretation of variants in research participants for the purpose of population health screening. Participant phenotype was not available at the time of variant classification. Additional details can be found in publication PMID: 35346344, PMCID: PMC8962531

Ambry Genetics
Classification: Uncertain significance for Hereditary cancer-predisposing syndrome. Last evaluated: 2023-01-19. Review status: criteria provided, single submitter. Criteria: Ambry Variant Classification Scheme 2023. Collection method: clinical testing. Allele origin: germline.
Comment: The p.T1284A variant (also known as c.3850A>G), located in coding exon 9 of the MSH6 gene, results from an A to G substitution at nucleotide position 3850. The threonine at codon 1284 is replaced by alanine, an amino acid with similar properties. This amino acid position is highly conserved in available vertebrate species. In addition, this alteration is predicted to be deleterious by in silico analysis. Since supporting evidence is limited at this time, the clinical significance of this alteration remains unclear.

Literature cited by the submitters: PubMed 28135145 (cited by Labcorp Genetics (formerly Invitae), Labcorp and All of Us Research Program, National Institutes of Health).

NM_000179.3(MSH6):c.3850A>G (p.Thr1284Ala)

Gene: MSH6 (mutS homolog 6; plus strand). Cytogenetic location: 2p16.3.
Variant type: single nucleotide variant.
Coding change: c.3850A>G on transcript NM_000179.3 (MANE Select); coding-DNA position 3850, A replaced by G.
Protein change: p.Thr1284Ala; replaces threonine 1284 with alanine.
Molecular consequence: missense variant.
Genome position (GRCh38, 1-based): chr2:47,806,500, A>G. VCF-style: chr2-47806500-A-G. GRCh37 (hg19) VCF-style: chr2-48033639-A-G.
Other names: c.3460A>G, p.Thr1154Ala (NM_001281492.2); c.2944A>G, p.Thr982Ala (NM_001281493.2, NM_001281494.2); short protein forms T1284A, T982A, T1154A.
Identifiers: ClinVar variation 428360 (VCV000428360.18), dbSNP rs1114167743, ClinGen allele CA346761310.